The following is an entry in ClinVar:

NM_001267550.2(TTN):c.97192+4A>G

Genes: TTN-AS1 (TTN antisense RNA 1; plus strand), TTN (titin; minus strand), LOC129935186 (ATAC-STARR-seq lymphoblastoid active region 16811; plus strand). Cytogenetic location: 2q31.2.
Variant type: single nucleotide variant.
Coding change: c.97192+4A>G on transcript NM_001267550.2 (MANE Select); 4 bases into the intron after coding-DNA position 97192, A replaced by G.
Molecular consequence: intron variant.
Genome position (GRCh38, 1-based): chr2:178,542,658, T>C on the plus strand (A>G on the coding strand, the complement: TTN is on the minus strand). VCF-style: chr2-178542658-T-C. GRCh37 (hg19) VCF-style: chr2-179407385-T-C.
Other names: c.69997+4A>G (NM_003319.4); c.70573+4A>G (NM_133437.4); c.70372+4A>G (NM_133432.3); c.89488+4A>G (NM_133378.4); c.92269+4A>G (NM_001256850.1); c.97192+4A>G (LRG_391t1).
Identifiers: ClinVar variation 223355 (VCV000223355.9), dbSNP rs370069759, ClinGen allele CA090364.
Genomic context (GRCh38, chr2:178,542,658, plus strand): 5'-TACTTCAAATCAAAATTGGGTGACTGAACATCAACTTGCTTGTATCTTTGTCACACATCC[T>C]TACCAAGAATGATAACTTTAATGGTTTCTGAAGTAGTTCCGGTAACATTCTTCAATTCAA-3'

ClinVar aggregate classification (germline): Uncertain significance. Review status: criteria provided, multiple submitters, no conflicts (2 of 4 stars). 3 submissions from 3 submitters: Uncertain significance (3). Last evaluated 2022-07-14.

Conditions:
Cardiovascular phenotype. Identifiers: MedGen CN230736.
Dilated cardiomyopathy 1G (CMD1G). Identifiers: Orphanet 154, MedGen C1858763, MONDO:0011400, OMIM 604145.
Autosomal recessive limb-girdle muscular dystrophy type 2J (LGMDR10). Also called: Limb-girdle muscular dystrophy, type 2J; MUSCULAR DYSTROPHY, LIMB-GIRDLE, AUTOSOMAL RECESSIVE 10. Identifiers: Orphanet 140922, MedGen C1837342, MONDO:0012127, OMIM 608807.
Primary dilated cardiomyopathy (DCM). Also called: Dilated Cardiomyopathy. Identifiers: Orphanet 217604, MedGen C0007193, MeSH D002311, MONDO:0005021, HP:0001644. Inheritance: Various modes of inheritance.

Allele frequency attached by ClinVar (database versions not stated): gnomAD exomes below 0.00001; ExAC 0.00001; gnomAD 0.00001; TOPMed 0.00001; ESP Exome Variant Server 0.00008.
gnomAD v4.1: 2 of 1,609,906 alleles (0.00012%); highest among the groups gnomAD compares: African/African-American, 0.0027%; no homozygotes.

Submissions (3):

Labcorp Genetics (formerly Invitae), Labcorp
Classification: Uncertain significance for Dilated cardiomyopathy 1G; Autosomal recessive limb-girdle muscular dystrophy type 2J. Last evaluated: 2022-07-14. Review status: criteria provided, single submitter. Criteria: Invitae Variant Classification Sherloc (09022015). Collection method: clinical testing. Allele origin: germline.
Comment: This variant is located in the A band of TTN (PMID: 25589632). Variants in this region may be relevant for cardiac or neuromuscular disorders (PMID: 25589632, 23975875). This sequence change falls in intron 348 of the TTN gene. It does not directly change the encoded amino acid sequence of the TTN protein. It affects a nucleotide within the consensus splice site. This variant is present in population databases (rs370069759, gnomAD 0.008%). This variant has not been reported in the literature in individuals affected with TTN-related conditions. ClinVar contains an entry for this variant (Variation ID: 223355). Variants that disrupt the consensus splice site are a relatively common cause of aberrant splicing (PMID: 17576681, 9536098). Algorithms developed to predict the effect of sequence changes on RNA splicing suggest that this variant is not likely to affect RNA splicing. In summary, the available evidence is currently insufficient to determine the role of this variant in disease. Therefore, it has been classified as a Variant of Uncertain Significance.

Ambry Genetics
Classification: Uncertain significance for Cardiovascular phenotype. Last evaluated: 2020-08-21. Review status: criteria provided, single submitter. Criteria: Ambry Variant Classification Scheme 2023. Collection method: clinical testing. Allele origin: germline.
Comment: The c.69997+4A>G intronic variant results from an A to G substitution 4 nucleotides after coding exon 175 in the TTN gene. This variant has been reported in the Jackson Heart Study cohort with alternate nomenclature (as NM_001267550.1:c.97192+4A>G); however, clinical details were limited (Roberts AM et al. Sci Transl Med, 2015 Jan;7:270ra6). This nucleotide position is highly conserved in available vertebrate species. In silico splice site analysis for this alteration is inconclusive. Since supporting evidence is limited at this time, the clinical significance of this alteration remains unclear.

Cardiovascular Biomedical Research Unit, Royal Brompton & Harefield NHS Foundation Trust
Classification: Uncertain significance for Primary dilated cardiomyopathy. Last evaluated: 2014-10-08. Review status: criteria provided, single submitter. Criteria: Roberts et al. 2015. Collection method: research. Allele origin: germline. Inheritance: Autosomal dominant inheritance. Affected: no. Observed: 1 variant allele. Study: JHS cohort.
Comment: In the seven cohorts assessed, TTNtv were found in 14% of ambulant DCM, 22% end-stage or familial DCM, and 2% controls. Heterozygous nonsense, frameshift and canonical splice-disrupting variants found in constitutive and other highly utilised exons are highly likely to be pathogenic when identified in individuals with phenotypically confirmed DCM. TTNtv found incidentally in healthy individuals (excluding familial assessment of DCM relatives) are thought to have low penetrance, particularly when identified in exons that are not constitutively expressed in the heart.

Literature cited by the submitters: PubMed 25589632 (cited by Labcorp Genetics (formerly Invitae), Labcorp and Ambry Genetics); PubMed 23975875 (cited by Labcorp Genetics (formerly Invitae), Labcorp); PubMed 17576681 (cited by Labcorp Genetics (formerly Invitae), Labcorp); PubMed 9536098 (cited by Labcorp Genetics (formerly Invitae), Labcorp).